The following is an entry in ClinVar:

NM_001042545.2(LTBP4):c.572C>T (p.Ala191Val)

Gene: LTBP4 (latent transforming growth factor beta binding protein 4; plus strand). Cytogenetic location: 19q13.2.
Variant type: single nucleotide variant.
Coding change: c.572C>T on transcript NM_001042545.2 (MANE Select); coding-DNA position 572, C replaced by T.
Protein change: p.Ala191Val; replaces alanine 191 with valine.
Molecular consequence: missense variant.
Genome position (GRCh38, 1-based): chr19:40,605,534, C>T. VCF-style: chr19-40605534-C-T. GRCh37 (hg19) VCF-style: chr19-41111440-C-T.
Other names: c.773C>T, p.Ala258Val (NM_001042544.1); c.662C>T, p.Ala221Val (NM_003573.2); short protein forms A191V, A221V, A258V.
Identifiers: ClinVar variation 1203294 (VCV001203294.8), dbSNP rs374259478, ClinGen allele CA9448065.

ClinVar aggregate classification (germline): Uncertain significance. Review status: criteria provided, multiple submitters, no conflicts (2 of 4 stars). 3 submissions from 3 submitters: Uncertain significance (3). Last evaluated 2025-10-22.

Conditions:
LTBP4-related disorder. Also called: LTBP4-related condition.

Allele frequency attached by ClinVar (database versions not stated): ExAC 0.00009; ESP Exome Variant Server 0.00009; gnomAD 0.00020 and 0.00021; 1000 Genomes Project 0.00060; 1000 Genomes Project 30x 0.00062; gnomAD exomes 0.00002 and 0.00008.
gnomAD v4.1: 56 of 1,607,104 alleles (0.0035%); highest among the groups gnomAD compares: African/African-American, 0.06%; no homozygotes.

Submissions (3):

GeneDx
Classification: Uncertain significance. Last evaluated: 2025-10-22. Review status: criteria provided, single submitter. Criteria: GeneDx Variant Classification Process June 2021. Collection method: clinical testing. Allele origin: germline. Affected: yes.
Comment: In silico analysis suggests that this missense variant does not alter protein structure/function; Has not been previously published as pathogenic or benign to our knowledge

PreventionGenetics, part of Exact Sciences
Classification: Uncertain significance for LTBP4-related condition. Last evaluated: 2024-11-04. Review status: criteria provided, single submitter. Criteria: ACMG Guidelines, 2015. Collection method: clinical testing. Allele origin: germline.
Comment: The LTBP4 c.662C>T variant is predicted to result in the amino acid substitution p.Ala221Val. To our knowledge, this variant has not been reported in the literature. This variant is reported in 0.086% of alleles in individuals of African descent in gnomAD. Although we suspect that this variant may be benign, at this time, the clinical significance of this variant is uncertain due to the absence of conclusive functional and genetic evidence.

Labcorp Genetics (formerly Invitae), Labcorp
Classification: Uncertain significance. Last evaluated: 2022-12-02. Review status: criteria provided, single submitter. Criteria: Invitae Variant Classification Sherloc (09022015). Collection method: clinical testing. Allele origin: germline.
Comment: In summary, the available evidence is currently insufficient to determine the role of this variant in disease. Therefore, it has been classified as a Variant of Uncertain Significance. Experimental studies and prediction algorithms are not available or were not evaluated, and the functional significance of this variant is currently unknown. ClinVar contains an entry for this variant (Variation ID: 1203294). This variant has not been reported in the literature in individuals affected with LTBP4-related conditions. This variant is present in population databases (rs374259478, gnomAD 0.09%). This sequence change replaces alanine, which is neutral and non-polar, with valine, which is neutral and non-polar, at codon 221 of the LTBP4 protein (p.Ala221Val).